The following is an entry in ClinVar:

ClinVar aggregate classification (germline): Uncertain significance. Review status: criteria provided, multiple submitters, no conflicts (2 of 4 stars). 3 submissions from 3 submitters: Uncertain significance (3). Last evaluated 2025-10-11.

Conditions:
Hereditary cancer-predisposing syndrome. Also called: Neoplastic Syndromes, Hereditary; Tumor predisposition; Hereditary neoplastic syndrome; Hereditary Cancer Syndrome. Identifiers: Orphanet 140162, MedGen C0027672, MeSH D009386, MONDO:0015356.

gnomAD v4.1: 4 of 1,613,920 alleles (0.00025%); highest among the groups gnomAD compares: African/African-American, 0.0013%; no homozygotes.

Submissions (3):

Labcorp Genetics (formerly Invitae), Labcorp
Classification: Uncertain significance. Last evaluated: 2025-10-11. Review status: criteria provided, single submitter. Criteria: Invitae Variant Classification Sherloc (09022015). Collection method: clinical testing. Allele origin: germline.
Comment: This sequence change replaces serine, which is neutral and polar, with leucine, which is neutral and non-polar, at codon 803 of the POLE protein (p.Ser803Leu). This variant is not present in population databases (gnomAD no frequency). This variant has not been reported in the literature in individuals affected with POLE-related conditions. ClinVar contains an entry for this variant (Variation ID: 566663). Invitae Evidence Modeling of protein sequence and biophysical properties (such as structural, functional, and spatial information, amino acid conservation, physicochemical variation, residue mobility, and thermodynamic stability) indicates that this missense variant is expected to disrupt POLE protein function with a positive predictive value of 80%. In summary, the available evidence is currently insufficient to determine the role of this variant in disease. Therefore, it has been classified as a Variant of Uncertain Significance.

Ambry Genetics
Classification: Uncertain significance for Hereditary cancer-predisposing syndrome. Last evaluated: 2025-04-24. Review status: criteria provided, single submitter. Criteria: Ambry Variant Classification Scheme 2023. Collection method: clinical testing. Allele origin: germline.
Comment: The p.S803L variant (also known as c.2408C>T), located in coding exon 21 of the POLE gene, results from a C to T substitution at nucleotide position 2408. The serine at codon 803 is replaced by leucine, an amino acid with dissimilar properties. This amino acid position is conserved. In addition, the in silico prediction for this alteration is inconclusive. Based on the available evidence, the clinical significance of this variant remains unclear.

Center for Genomic Medicine, Rigshospitalet, Copenhagen University Hospital
Classification: Uncertain significance. Last evaluated: 2025-03-04. Review status: criteria provided, single submitter. Criteria: ACMG Guidelines, 2015. Collection method: clinical testing. Allele origin: germline.

NM_006231.4(POLE):c.2408C>T (p.Ser803Leu)

Gene: POLE (DNA polymerase epsilon, catalytic subunit; minus strand). Cytogenetic location: 12q24.33.
Variant type: single nucleotide variant.
Coding change: c.2408C>T on transcript NM_006231.4 (MANE Select); coding-DNA position 2408, C replaced by T.
Protein change: p.Ser803Leu; replaces serine 803 with leucine.
Molecular consequence: missense variant.
Genome position (GRCh38, 1-based): chr12:132,665,362, G>A on the plus strand (C>T on the coding strand, the complement: POLE is on the minus strand). VCF-style: chr12-132665362-G-A. GRCh37 (hg19) VCF-style: chr12-133241948-G-A.
Other names: short protein forms S803L.
Identifiers: ClinVar variation 566663 (VCV000566663.14), dbSNP rs1565962323, ClinGen allele CA387397217.